The following is an entry in ClinVar:

NM_001164508.2(NEB):c.17156A>T (p.His5719Leu)

Gene: NEB (nebulin; minus strand). Cytogenetic location: 2q23.3.
Variant type: single nucleotide variant.
Coding change: c.17156A>T on transcript NM_001164508.2 (MANE Select); coding-DNA position 17156, A replaced by T.
Protein change: p.His5719Leu; replaces histidine 5719 with leucine.
Molecular consequence: missense variant.
Genome position (GRCh38, 1-based): chr2:151,570,355, T>A on the plus strand (A>T on the coding strand, the complement: NEB is on the minus strand). VCF-style: chr2-151570355-T-A. GRCh37 (hg19) VCF-style: chr2-152426869-T-A.
Other names: c.17156A>T, p.His5719Leu (NM_001164507.2, NM_001271208.2); c.12053A>T, p.His4018Leu (NM_004543.5); c.12053A>T (NM_004543.4); short protein forms H5719L, H4018L.
Identifiers: ClinVar variation 534013 (VCV000534013.9), dbSNP rs776095941, ClinGen allele CA1908272.

ClinVar aggregate classification (germline): Uncertain significance. Review status: criteria provided, multiple submitters, no conflicts (2 of 4 stars). 4 submissions from 4 submitters: Uncertain significance (3). 1 of the submissions does not count toward it. Last evaluated 2024-04-09.

Conditions:
Nemaline myopathy 2 (NEM2). Also called: Nemaline myopathy 2, autosomal recessive. Identifiers: MedGen C1850569, MONDO:0009725, OMIM 256030.
Inborn genetic diseases. Identifiers: MedGen C0950123, MeSH D030342.

Allele frequency attached by ClinVar (database versions not stated): TOPMed below 0.00001; gnomAD 0.00001; gnomAD exomes 0.00002; ExAC 0.00003.
gnomAD v4.1: 17 of 1,593,284 alleles (0.0011%); highest among the groups gnomAD compares: Admixed American, 0.0017%; no homozygotes.

Submissions (4):

Women's Health and Genetics/Laboratory Corporation of America, LabCorp
Classification: Uncertain significance. Last evaluated: 2024-04-09. Review status: criteria provided, single submitter. Criteria: LabCorp Variant Classification Summary - May 2015. Collection method: clinical testing. Allele origin: germline.
Comment: Variant summary: NEB c.17156A>T (p.His5719Leu) results in a non-conservative amino acid change in the encoded protein sequence. Four of five in-silico tools predict a damaging effect of the variant on protein function. The variant allele was found at a frequency of 2.1e-05 in 234298 control chromosomes. The available data on variant occurrences in the general population are insufficient to allow any conclusion about variant significance. To our knowledge, no occurrence of c.17156A>T in individuals affected with Nemaline Myopathy 2 and no experimental evidence demonstrating its impact on protein function have been reported. ClinVar contains an entry for this variant (Variation ID: 534013). Based on the evidence outlined above, the variant was classified as uncertain significance.

Ambry Genetics
Classification: Uncertain significance for Inborn genetic diseases. Last evaluated: 2022-10-06. Review status: criteria provided, single submitter. Criteria: Ambry Variant Classification Scheme 2023. Collection method: clinical testing. Allele origin: germline.

Labcorp Genetics (formerly Invitae), Labcorp
Classification: Uncertain significance for Nemaline myopathy 2. Last evaluated: 2022-02-04. Review status: criteria provided, single submitter. Criteria: Invitae Variant Classification Sherloc (09022015). Collection method: clinical testing. Allele origin: germline.
Comment: This sequence change replaces histidine, which is basic and polar, with leucine, which is neutral and non-polar, at codon 5719 of the NEB protein (p.His5719Leu). This variant is present in population databases (rs776095941, gnomAD 0.003%). This variant has not been reported in the literature in individuals affected with NEB-related conditions. ClinVar contains an entry for this variant (Variation ID: 534013). Algorithms developed to predict the effect of missense changes on protein structure and function are either unavailable or do not agree on the potential impact of this missense change (SIFT: "Deleterious"; PolyPhen-2: "Not Available"; Align-GVGD: "Class C0"). In summary, the available evidence is currently insufficient to determine the role of this variant in disease. Therefore, it has been classified as a Variant of Uncertain Significance.

Natera, Inc.
Classification: Uncertain significance for Nemaline myopathy type 2. Last evaluated: 2019-11-11. Review status: no assertion criteria provided. Collection method: clinical testing. Allele origin: germline. Not counted in ClinVar's aggregate classification.